The following is an entry in ClinVar:

ClinVar aggregate classification (germline): Likely pathogenic (1 of 4 stars; one submission).

Conditions:
Thrombocytopenia 1. Also called: THROMBOCYTOPENIA, X-LINKED, 1; X-Linked Thrombocytopenia (XLT); X-linked thrombocytopenia with normal platelets. Identifiers: Orphanet 268322, Orphanet 852, MedGen C1839163, MONDO:0010743, OMIM 313900.
Wiskott-Aldrich syndrome (WAS). Also called: ALDRICH SYNDROME; IMMUNODEFICIENCY 2; WISKOTT-ALDRICH SYNDROME 1; Wiskott-aldrich syndrome, somatic. Identifiers: Orphanet 906, MedGen C0043194, MONDO:0010518, OMIM 301000.
X-linked severe congenital neutropenia (SCNX). Identifiers: Orphanet 86788, MedGen C1845987, MONDO:0010294, OMIM 300299.

Submission:

Labcorp Genetics (formerly Invitae), Labcorp
Classification: Likely pathogenic for Wiskott-Aldrich syndrome; X-linked severe congenital neutropenia; Thrombocytopenia 1. Last evaluated: 2024-05-22. Review status: criteria provided, single submitter. Criteria: Invitae Variant Classification Sherloc (09022015). Collection method: clinical testing. Allele origin: germline.
Comment: This sequence change affects an acceptor splice site in intron 5 of the WAS gene. It is expected to disrupt RNA splicing. Variants that disrupt the donor or acceptor splice site typically lead to a loss of protein function (PMID: 16199547), and loss-of-function variants in WAS are known to be pathogenic (PMID: 15284122). This variant is not present in population databases (gnomAD no frequency). This variant has not been reported in the literature in individuals affected with WAS-related conditions. Algorithms developed to predict the effect of sequence changes on RNA splicing suggest that this variant may disrupt the consensus splice site. In summary, the currently available evidence indicates that the variant is pathogenic, but additional data are needed to prove that conclusively. Therefore, this variant has been classified as Likely Pathogenic.

Literature cited by the submitters: PubMed 16199547; PubMed 15284122.

NM_000377.3(WAS):c.506-1G>C

Gene: WAS (WASP actin nucleation promoting factor; plus strand). Cytogenetic location: Xp11.23.
Variant type: single nucleotide variant.
Coding change: c.506-1G>C on transcript NM_000377.3 (MANE Select); the canonical splice acceptor site of the intron before coding-DNA position 506, G replaced by C.
Molecular consequence: splice acceptor variant.
Genome position (GRCh38, 1-based): chrX:48,686,080, G>C. VCF-style: chrX-48686080-G-C. GRCh37 (hg19) VCF-style: chrX-48544469-G-C.
Identifiers: ClinVar variation 3756094 (VCV003756094.2).